The following is an entry in ClinVar:

NM_182643.3(DLC1):c.3847C>A (p.Leu1283Ile)

Gene: DLC1 (DLC1 Rho GTPase activating protein; minus strand). Cytogenetic location: 8p22.
Variant type: single nucleotide variant.
Coding change: c.3847C>A on transcript NM_182643.3 (MANE Select); coding-DNA position 3847, C replaced by A.
Protein change: p.Leu1283Ile; replaces leucine 1283 with isoleucine.
Molecular consequence: missense variant.
Genome position (GRCh38, 1-based): chr8:13,091,326, G>T on the plus strand (C>A on the coding strand, the complement: DLC1 is on the minus strand). VCF-style: chr8-13091326-G-T. GRCh37 (hg19) VCF-style: chr8-12948835-G-T.
Other names: c.2314C>A, p.Leu772Ile (NM_001164271.2, NM_001348082.2, NM_001348083.1 and 6 more transcripts); c.2638C>A, p.Leu880Ile (NM_001316668.2, NM_001413129.1); c.3847C>A, p.Leu1283Ile (NM_001348081.2, NM_001413124.1); c.2629C>A, p.Leu877Ile (NM_001413130.1); c.2287C>A, p.Leu763Ile (NM_001413131.1, NM_001413137.1); c.2773C>A, p.Leu925Ile (NM_001413132.1); c.2536C>A, p.Leu846Ile (NM_001413135.1, NM_001413136.1, NM_001413139.1 and 1 more transcripts); c.2671C>A, p.Leu891Ile (NM_001413140.1); short protein forms L846I, L772I, L891I, L925I, L763I, L877I, L1283I, L880I.
Identifiers: ClinVar variation 2807842 (VCV002807842.3), dbSNP rs754132256, ClinGen allele CA370341201.

ClinVar aggregate classification (germline): Uncertain significance (1 of 4 stars; one submission).

Submission:

Labcorp Genetics (formerly Invitae), Labcorp
Classification: Uncertain significance. Last evaluated: 2023-03-30. Review status: criteria provided, single submitter. Criteria: Invitae Variant Classification Sherloc (09022015). Collection method: clinical testing. Allele origin: germline.
Comment: This variant has not been reported in the literature in individuals affected with DLC1-related conditions. This variant is not present in population databases (gnomAD no frequency). This sequence change replaces leucine, which is neutral and non-polar, with isoleucine, which is neutral and non-polar, at codon 1283 of the DLC1 protein (p.Leu1283Ile). An algorithm developed to predict the effect of missense changes on protein structure and function (PolyPhen-2) suggests that this variant is likely to be disruptive. In summary, the available evidence is currently insufficient to determine the role of this variant in disease. Therefore, it has been classified as a Variant of Uncertain Significance.